The following is an entry in ClinVar:

NM_001164508.2(NEB):c.1735G>T (p.Ala579Ser)

Gene: NEB (nebulin; minus strand). Cytogenetic location: 2q23.3.
Variant type: single nucleotide variant.
Coding change: c.1735G>T on transcript NM_001164508.2 (MANE Select); coding-DNA position 1735, G replaced by T.
Protein change: p.Ala579Ser; replaces alanine 579 with serine.
Molecular consequence: missense variant.
Genome position (GRCh38, 1-based): chr2:151,694,569, C>A on the plus strand (G>T on the coding strand, the complement: NEB is on the minus strand). VCF-style: chr2-151694569-C-A. GRCh37 (hg19) VCF-style: chr2-152551083-C-A.
Other names: c.1735G>T, p.Ala579Ser (NM_001164507.2, NM_001271208.2, NM_004543.5); short protein forms A579S.
Identifiers: ClinVar variation 287901 (VCV000287901.10), dbSNP rs758068422, ClinGen allele CA10605908.

ClinVar aggregate classification (germline): Uncertain significance. Review status: criteria provided, multiple submitters, no conflicts (2 of 4 stars). 3 submissions from 3 submitters: Uncertain significance (2). 1 of the submissions does not count toward it. Last evaluated 2021-08-27.

Conditions:
Nemaline myopathy 2 (NEM2). Also called: Nemaline myopathy 2, autosomal recessive. Identifiers: MedGen C1850569, MONDO:0009725, OMIM 256030.

Allele frequency attached by ClinVar (database versions not stated): gnomAD 0.00001; TOPMed 0.00001; gnomAD exomes 0.00001.

Submissions (3):

Labcorp Genetics (formerly Invitae), Labcorp
Classification: Uncertain significance for Nemaline myopathy 2. Last evaluated: 2021-08-27. Review status: criteria provided, single submitter. Criteria: Invitae Variant Classification Sherloc (09022015). Collection method: clinical testing. Allele origin: germline.
Comment: This sequence change replaces alanine with serine at codon 579 of the NEB protein (p.Ala579Ser). The alanine residue is moderately conserved and there is a moderate physicochemical difference between alanine and serine. This variant is not present in population databases (ExAC no frequency). This variant has not been reported in the literature in individuals affected with NEB-related conditions. ClinVar contains an entry for this variant (Variation ID: 287901). Algorithms developed to predict the effect of missense changes on protein structure and function are either unavailable or do not agree on the potential impact of this missense change (SIFT: "Tolerated"; PolyPhen-2: "Not Available"; Align-GVGD: "Class C0"). In summary, the available evidence is currently insufficient to determine the role of this variant in disease. Therefore, it has been classified as a Variant of Uncertain Significance.

Eurofins Ntd Llc (ga)
Classification: Uncertain significance. Last evaluated: 2016-05-11. Review status: criteria provided, single submitter. Criteria: EGL Classification Definitions 2015. Collection method: clinical testing. Allele origin: germline. Observed: 1 variant allele, 1 heterozygote.

Natera, Inc.
Classification: Uncertain significance for Nemaline myopathy type 2. Last evaluated: 2020-09-16. Review status: no assertion criteria provided. Collection method: clinical testing. Allele origin: germline. Not counted in ClinVar's aggregate classification.